The following is an entry in ClinVar:

NM_003742.4(ABCB11):c.1083G>A (p.Gln361=)

Gene: ABCB11 (ATP binding cassette subfamily B member 11; minus strand). Cytogenetic location: 2q31.1.
Variant type: single nucleotide variant.
Coding change: c.1083G>A on transcript NM_003742.4 (MANE Select); coding-DNA position 1083, G replaced by A.
Protein change: p.Gln361=; no amino-acid change (glutamine 361 retained).
Molecular consequence: synonymous variant.
Genome position (GRCh38, 1-based): chr2:168,986,110, C>T on the plus strand (G>A on the coding strand, the complement: ABCB11 is on the minus strand). VCF-style: chr2-168986110-C-T. GRCh37 (hg19) VCF-style: chr2-169842620-C-T.
Identifiers: ClinVar variation 4846125 (VCV004846125.1).

ClinVar aggregate classification (germline): Uncertain significance (1 of 4 stars; one submission).

Conditions:
Familial intrahepatic cholestasis. Identifiers: Orphanet 284385, MedGen CN296401, MONDO:0017290.

gnomAD v4.1: 1 of 1,596,700 alleles (0.000063%); highest among the groups gnomAD compares: Non-Finnish European, 0.000085%; no homozygotes.

Submission:

Genomenon, Inc
Classification: Uncertain significance for Familial intrahepatic cholestasis. Last evaluated: 2026-04-14. Review status: criteria provided, single submitter. Criteria: Genomenon Sequence Variant Interpretation Standards - Updated. Collection method: curation. Allele origin: germline. Affected: no.
Comment: ABCB11 c.1083G>A is a synonymous variant that retains Glutamine at residue 361. This variant has been reported in the published literature (PMID:22795478). It is absent or not present at a significant frequency in gnomAD. In silico models predict that this variant is possibly or probably damaging. In conclusion, we classify ABCB11 p.Gln361= (c.1083G>A) as a variant of uncertain significance.

Literature cited by the submitters: PubMed 22795478.